The following is an entry in ClinVar:

ClinVar aggregate classification (germline): Benign/Likely benign. Review status: criteria provided, multiple submitters, no conflicts (2 of 4 stars). 10 submissions from 10 submitters: Benign (6); Likely benign (1). 3 of the submissions do not count toward it. Last evaluated 2026-02-02.

Conditions:
Cardiovascular phenotype. Identifiers: MedGen CN230736.
Cardiomyopathy (CMYO). Also called: Cardiomyopathies. Identifiers: Orphanet 167848, MedGen C0878544, MONDO:0004994, HP:0001638. Inheritance: Various modes of inheritance.
Hypertrophic cardiomyopathy 14. Identifiers: MedGen C2750467, MONDO:0013197, OMIM 613251.

Allele frequency attached by ClinVar (database versions not stated): gnomAD exomes 0.00053 and 0.00130; ExAC 0.00154; 1000 Genomes Project 0.00359; 1000 Genomes Project 30x 0.00375; ESP Exome Variant Server 0.00438; gnomAD 0.00482 and 0.00517; TOPMed 0.00535.
gnomAD v4.1: 1,531 of 1,614,154 alleles (0.095%); highest among the groups gnomAD compares: African/African-American, 1.7%; 15 homozygotes.

Submissions (10):

Labcorp Genetics (formerly Invitae), Labcorp
Classification: Benign for Hypertrophic cardiomyopathy 14. Last evaluated: 2026-02-02. Review status: criteria provided, single submitter. Criteria: Invitae Variant Classification Sherloc (09022015). Collection method: clinical testing. Allele origin: germline.

ARUP Laboratories, Molecular Genetics and Genomics, ARUP Laboratories
Classification: Benign. Last evaluated: 2025-05-15. Review status: criteria provided, single submitter. Criteria: ARUP Molecular Germline Variant Investigation Process 2024. Collection method: clinical testing. Allele origin: germline.

Blueprint Genetics
Classification: Likely benign. Last evaluated: 2024-10-18. Review status: criteria provided, single submitter. Criteria: ACMG Guidelines, 2015. Collection method: clinical testing. Allele origin: germline.

GeneDx
Classification: Benign. Last evaluated: 2017-04-14. Review status: criteria provided, single submitter. Criteria: GeneDx Variant Classification (06012015). Collection method: clinical testing. Allele origin: germline. Affected: yes.
Comment: This variant is considered likely benign or benign based on one or more of the following criteria: it is a conservative change, it occurs at a poorly conserved position in the protein, it is predicted to be benign by multiple in silico algorithms, and/or has population frequency not consistent with disease.

CHEO Genetics Diagnostic Laboratory, Children's Hospital of Eastern Ontario
Classification: Benign for Cardiomyopathy. Last evaluated: 2016-12-01. Review status: criteria provided, single submitter. Criteria: ACMG Guidelines, 2015. Collection method: clinical testing. Allele origin: germline. Study: Canadian Open Genetics Repository.

Ambry Genetics
Classification: Benign for Cardiovascular phenotype. Last evaluated: 2016-07-13. Review status: criteria provided, single submitter. Criteria: Ambry Variant Classification Scheme 2023. Collection method: clinical testing. Allele origin: germline.

Laboratory for Molecular Medicine, Mass General Brigham Personalized Medicine
Classification: Benign. Last evaluated: 2012-02-23. Review status: criteria provided, single submitter. Criteria: LMM Criteria. Collection method: clinical testing. Allele origin: germline. Observed: 14 variant alleles.
Comment: His1633His in exon 33 of MYH6: This variant is not expected to have clinical sig nificance because it has been identified in 1.2% (44/3738) of African American c hromosomes from a broad population by the NHLBI Exome Sequencing Project (dbSNP rs61742474).

Clinical Genetics DNA and cytogenetics Diagnostics Lab, Erasmus MC, Erasmus Medical Center
Classification: Benign. Review status: no assertion criteria provided. Collection method: clinical testing. Allele origin: germline. Affected: yes. Study: VKGL Data-share Consensus. Not counted in ClinVar's aggregate classification.

Clinical Genetics, Academic Medical Center
Classification: Benign. Review status: no assertion criteria provided. Collection method: clinical testing. Allele origin: germline. Affected: yes. Study: VKGL Data-share Consensus. Not counted in ClinVar's aggregate classification.

Genome Diagnostics Laboratory, University Medical Center Utrecht
Classification: Benign. Review status: no assertion criteria provided. Collection method: clinical testing. Allele origin: germline. Affected: yes. Study: VKGL Data-share Consensus. Not counted in ClinVar's aggregate classification.

NM_002471.4(MYH6):c.4899C>T (p.His1633=)

Genes: MYH6 (myosin heavy chain 6; minus strand), LOC126861896 (BRD4-independent group 4 enhancer GRCh37_chr14:23854904-23856103; plus strand). Cytogenetic location: 14q11.2.
Variant type: single nucleotide variant.
Coding change: c.4899C>T on transcript NM_002471.4 (MANE Select); coding-DNA position 4899, C replaced by T.
Protein change: p.His1633=; no amino-acid change (histidine 1633 retained).
Molecular consequence: synonymous variant.
Genome position (GRCh38, 1-based): chr14:23,386,375, G>A on the plus strand (C>T on the coding strand, the complement: MYH6 is on the minus strand). VCF-style: chr14-23386375-G-A. GRCh37 (hg19) VCF-style: chr14-23855584-G-A.
Identifiers: ClinVar variation 44524 (VCV000044524.33), dbSNP rs61742474, ClinGen allele CA134440.
Genomic context (GRCh38, chr14:23,386,375, plus strand): 5'-CTTCAGCAAGCTCTGGAGGCTCTTGACTTGCTTCTGGGCCTCGGCAGCCATGCGGTTGGC[G>A]TGGCTGAGCTGGATCTCCATCTCATTGAGGTCTCCTTCCATCTTCTTCTTCACCCTCAGG-3'
Protein context (NP_002462.2, residues 1623-1643): DLNEMEIQLS[His1633=]ANRMAAEAQK